The following is an entry in ClinVar:

ClinVar aggregate classification (germline): Uncertain significance (1 of 4 stars; one submission).

Submission:

Labcorp Genetics (formerly Invitae), Labcorp
Classification: Uncertain significance. Last evaluated: 2025-10-04. Review status: criteria provided, single submitter. Criteria: Invitae Variant Classification Sherloc (09022015). Collection method: clinical testing. Allele origin: germline.
Comment: This sequence change replaces histidine, which is basic and polar, with proline, which is neutral and non-polar, at codon 159 of the SCNN1B protein (p.His159Pro). This variant is not present in population databases (gnomAD no frequency). This variant has not been reported in the literature in individuals affected with SCNN1B-related conditions. An algorithm developed to predict the effect of missense changes on protein structure and function (PolyPhen-2) suggests that this variant is likely to be tolerated. In summary, the available evidence is currently insufficient to determine the role of this variant in disease. Therefore, it has been classified as a Variant of Uncertain Significance.

NM_000336.3(SCNN1B):c.476A>C (p.His159Pro)

Gene: SCNN1B (sodium channel epithelial 1 subunit beta; plus strand). Cytogenetic location: 16p12.2.
Variant type: single nucleotide variant.
Coding change: c.476A>C on transcript NM_000336.3 (MANE Select); coding-DNA position 476, A replaced by C.
Protein change: p.His159Pro; replaces histidine 159 with proline.
Molecular consequence: missense variant.
Genome position (GRCh38, 1-based): chr16:23,352,965, A>C. VCF-style: chr16-23352965-A-C. GRCh37 (hg19) VCF-style: chr16-23364286-A-C.
Other names: c.476A>C, p.His159Pro (NM_001410900.1); short protein forms H159P.
Identifiers: ClinVar variation 4728441 (VCV004728441.1).